The following is an entry in ClinVar:

NM_001999.4(FBN2):c.7137T>G (p.Leu2379=)

Gene: FBN2 (fibrillin 2; minus strand). Cytogenetic location: 5q23.3.
Variant type: single nucleotide variant.
Coding change: c.7137T>G on transcript NM_001999.4 (MANE Select); coding-DNA position 7137, T replaced by G.
Protein change: p.Leu2379=; no amino-acid change (leucine 2379 retained).
Molecular consequence: synonymous variant.
Genome position (GRCh38, 1-based): chr5:128,280,193, A>C on the plus strand (T>G on the coding strand, the complement: FBN2 is on the minus strand). VCF-style: chr5-128280193-A-C. GRCh37 (hg19) VCF-style: chr5-127615885-A-C.
Identifiers: ClinVar variation 416903 (VCV000416903.22), dbSNP rs765676702, ClinGen allele CA3394222.

ClinVar aggregate classification (germline): Conflicting classifications of pathogenicity. Review status: criteria provided, conflicting classifications (1 of 4 stars). 5 submissions from 5 submitters: Uncertain significance (1); Likely benign (4). Last evaluated 2025-11-04.

Conditions:
Congenital contractural arachnodactyly (CCA). Also called: BEALS SYNDROME; Beals-Hecht syndrome; Arthrogryposis, distal, type 9. Identifiers: Orphanet 115, MedGen C0220668, MONDO:0007363, OMIM 121050.
Familial thoracic aortic aneurysm and aortic dissection (TAAD). Also called: Thoracic aortic aneurysms and dissections. Identifiers: Orphanet 91387, MedGen C4707243, MONDO:0019625.

Allele frequency attached by ClinVar (database versions not stated): gnomAD 0.00002; TOPMed 0.00003; gnomAD exomes 0.00004; ExAC 0.00007.
gnomAD v4.1: 47 of 1,611,726 alleles (0.0029%); highest among the groups gnomAD compares: Non-Finnish European, 0.0039%; no homozygotes.

Submissions (5):

Labcorp Genetics (formerly Invitae), Labcorp
Classification: Likely benign for Congenital contractural arachnodactyly. Last evaluated: 2025-11-04. Review status: criteria provided, single submitter. Criteria: Invitae Variant Classification Sherloc (09022015). Collection method: clinical testing. Allele origin: germline.

Women's Health and Genetics/Laboratory Corporation of America, LabCorp
Classification: Likely benign. Last evaluated: 2024-11-11. Review status: criteria provided, single submitter. Criteria: LabCorp Variant Classification Summary - May 2015. Collection method: clinical testing. Allele origin: germline.
Comment: Variant summary: FBN2 c.7137T>G (p.Leu2379Leu) alters a conserved nucleotide located close to a canonical splice site and therefore could affect mRNA splicing, leading to a significantly altered protein sequence. Consensus agreement among computation tools predict no significant impact on normal splicing. However, these predictions have yet to be confirmed by functional studies. The variant allele was found at a frequency of 4.4e-05 in 250884 control chromosomes, predominantly at a frequency of 8.8e-05 within the Non-Finnish European subpopulation in the gnomAD database. The observed variant frequency within Non-Finnish European control individuals in the gnomAD database is approximately 70 - fold of the estimated maximal expected allele frequency for a pathogenic variant in FBN2 causing aortopathy phenotype (1.3e-06). c.7137T>G has been reported in the literature in at least an individual affected with FBN2-related conditions (example: Renner_2019). This report however, does not provide unequivocal conclusions about association of the variant with aortopathy. To our knowledge, no experimental evidence demonstrating an impact on protein function has been reported. The following publication has been ascertained in the context of this evaluation (PMID: 30675029). ClinVar contains an entry for this variant (Variation ID: 416903). Based on the evidence outlined above, the variant was classified as likely benign.

Ambry Genetics
Classification: Likely benign for Familial thoracic aortic aneurysm and aortic dissection. Last evaluated: 2024-04-04. Review status: criteria provided, single submitter. Criteria: Ambry Variant Classification Scheme 2023. Collection method: clinical testing. Allele origin: germline.

GeneDx
Classification: Likely benign. Last evaluated: 2020-07-10. Review status: criteria provided, single submitter. Criteria: GeneDx Variant Classification Process June 2021. Collection method: clinical testing. Allele origin: germline. Affected: yes.

Illumina Laboratory Services, Illumina
Classification: Uncertain significance for Congenital contractural arachnodactyly. Last evaluated: 2018-01-12. Review status: criteria provided, single submitter. Criteria: ICSL Variant Classification Criteria 13 December 2019. Collection method: clinical testing. Allele origin: germline.

Literature cited by the submitters: PubMed 30675029 (cited by Women's Health and Genetics/Laboratory Corporation of America, LabCorp).